The following is an entry in ClinVar:

NM_004360.5(CDH1):c.2383C>A (p.Pro795Thr)

Gene: CDH1 (cadherin 1; plus strand). Cytogenetic location: 16q22.1.
Variant type: single nucleotide variant.
Coding change: c.2383C>A on transcript NM_004360.5 (MANE Select); coding-DNA position 2383, C replaced by A.
Protein change: p.Pro795Thr; replaces proline 795 with threonine.
Molecular consequence: missense variant.
Genome position (GRCh38, 1-based): chr16:68,829,741, C>A. VCF-style: chr16-68829741-C-A. GRCh37 (hg19) VCF-style: chr16-68863644-C-A.
Other names: c.2200C>A, p.Pro734Thr (NM_001317184.2); c.835C>A, p.Pro279Thr (NM_001317185.2); c.418C>A, p.Pro140Thr (NM_001317186.2); short protein forms P140T, P279T, P734T, P795T.
Identifiers: ClinVar variation 2663164 (VCV002663164.2), dbSNP rs1298997936, ClinGen allele CA396471142.

ClinVar aggregate classification (germline): Uncertain significance. Review status: criteria provided, multiple submitters, no conflicts (2 of 4 stars). 2 submissions from 2 submitters: Uncertain significance (2). Last evaluated 2025-06-08.

Conditions:
Hereditary cancer-predisposing syndrome. Also called: Tumor predisposition; Hereditary neoplastic syndrome; Neoplastic Syndromes, Hereditary; Hereditary Cancer Syndrome. Identifiers: Orphanet 140162, MedGen C0027672, MeSH D009386, MONDO:0015356.

Submissions (2):

Ambry Genetics
Classification: Uncertain significance for Hereditary cancer-predisposing syndrome. Last evaluated: 2025-06-08. Review status: criteria provided, single submitter. Criteria: Ambry Variant Classification Scheme 2023. Collection method: clinical testing. Allele origin: germline.
Comment: The p.P795T variant (also known as c.2383C>A), located in coding exon 15 of the CDH1 gene, results from a C to A substitution at nucleotide position 2383. The proline at codon 795 is replaced by threonine, an amino acid with highly similar properties. This amino acid position is conserved. In addition, the in silico prediction for this alteration is inconclusive. Based on the available evidence, the clinical significance of this variant remains unclear.

GeneDx
Classification: Uncertain significance. Last evaluated: 2023-05-09. Review status: criteria provided, single submitter. Criteria: GeneDx Variant Classification Process June 2021. Collection method: clinical testing. Allele origin: germline. Affected: yes.
Comment: Not observed at significant frequency in large population cohorts (gnomAD); In silico analysis supports that this missense variant has a deleterious effect on protein structure/function; Has not been previously published as pathogenic or benign to our knowledge; This variant is associated with the following publications: (PMID: 15235021, 22850631)